The following is an entry in ClinVar:

ClinVar aggregate classification (germline): Uncertain significance (1 of 4 stars; one submission).

Submission:

Labcorp Genetics (formerly Invitae), Labcorp
Classification: Uncertain significance. Last evaluated: 2021-12-17. Review status: criteria provided, single submitter. Criteria: Invitae Variant Classification Sherloc (09022015). Collection method: clinical testing. Allele origin: germline.
Comment: Algorithms developed to predict the effect of missense changes on protein structure and function (SIFT, PolyPhen-2, Align-GVGD) all suggest that this variant is likely to be disruptive. In summary, the available evidence is currently insufficient to determine the role of this variant in disease. Therefore, it has been classified as a Variant of Uncertain Significance. This variant has not been reported in the literature in individuals affected with LZTR1-related conditions. This variant is not present in population databases (gnomAD no frequency). This sequence change replaces valine, which is neutral and non-polar, with glutamic acid, which is acidic and polar, at codon 706 of the LZTR1 protein (p.Val706Glu).

NM_006767.4(LZTR1):c.2117T>A (p.Val706Glu)

Gene: LZTR1 (leucine zipper like post translational regulator 1; plus strand). Cytogenetic location: 22q11.21.
Variant type: single nucleotide variant.
Coding change: c.2117T>A on transcript NM_006767.4 (MANE Select); coding-DNA position 2117, T replaced by A.
Protein change: p.Val706Glu; replaces valine 706 with glutamic acid.
Molecular consequence: missense variant.
Genome position (GRCh38, 1-based): chr22:20,996,010, T>A. VCF-style: chr22-20996010-T-A. GRCh37 (hg19) VCF-style: chr22-21350299-T-A.
Other names: short protein forms V706E.
Identifiers: ClinVar variation 2044813 (VCV002044813.4), dbSNP rs1486664196, ClinGen allele CA410779401.